The following is an entry in ClinVar:

ClinVar aggregate classification (germline): Benign (0 of 4 stars; one submission).

Conditions:
EPHX2-related disorder. Also called: EPHX2-related condition.

Allele frequency attached by ClinVar (database versions not stated): ExAC 0.09008; 1000 Genomes Project 0.10064; gnomAD exomes 0.10239; 1000 Genomes Project 30x 0.10259; gnomAD 0.12943; TOPMed 0.13352; ESP Exome Variant Server 0.14255.

Submission:

PreventionGenetics, part of Exact Sciences
Classification: Benign for EPHX2-related condition. Last evaluated: 2019-10-21. Review status: no assertion criteria provided. Collection method: clinical testing. Allele origin: germline.
Comment: This variant is classified as benign based on ACMG/AMP sequence variant interpretation guidelines (Richards et al. 2015 PMID: 25741868, with internal and published modifications).

NM_001979.6(EPHX2):c.164A>G (p.Lys55Arg)

Gene: EPHX2 (epoxide hydrolase 2; plus strand). Cytogenetic location: 8p21.1.
Variant type: single nucleotide variant.
Coding change: c.164A>G on transcript NM_001979.6 (MANE Select); coding-DNA position 164, A replaced by G.
Protein change: p.Lys55Arg; replaces lysine 55 with arginine.
Molecular consequence: missense variant. On other transcripts: non-coding transcript variant (3), intron variant (1).
Genome position (GRCh38, 1-based): chr8:27,500,988, A>G. VCF-style: chr8-27500988-A-G. GRCh37 (hg19) VCF-style: chr8-27358505-A-G.
Other names: c.5A>G, p.Lys2Arg (NM_001256482.2, NM_001256484.2); c.164A>G, p.Lys55Arg (NM_001414016.1, NM_001414017.1, NM_001414018.1 and 5 more transcripts); c.-12-2616A>G (NM_001256483.2); short protein forms K2R, K55R.
Identifiers: ClinVar variation 3059509 (VCV003059509.2), dbSNP rs41507953, ClinGen allele CA4689907.
Genomic context (GRCh38, chr8:27,500,988, plus strand): 5'-GACTTCTGAATGATGCTTTCCAGAAAGGGGGACCAGAGGGTGCCACTACCCGGCTTATGA[A>G]AGGAGAGATCACACTTTCCCAGGTGAGGGGACATCACCACACAGAGCCCTTTGGATGAAC-3'
Protein context (NP_001970.2, residues 45-65): GPEGATTRLM[Lys55Arg]GEITLSQWIP